The following is an entry in ClinVar:

NM_018518.5(MCM10):c.2525G>A (p.Arg842Gln)

Gene: MCM10 (minichromosome maintenance 10 replication initiation factor; plus strand). Cytogenetic location: 10p13.
Variant type: single nucleotide variant.
Coding change: c.2525G>A on transcript NM_018518.5 (MANE Select); coding-DNA position 2525, G replaced by A.
Protein change: p.Arg842Gln; replaces arginine 842 with glutamine.
Molecular consequence: missense variant.
Genome position (GRCh38, 1-based): chr10:13,209,117, G>A. VCF-style: chr10-13209117-G-A. GRCh37 (hg19) VCF-style: chr10-13251117-G-A.
Other names: c.2528G>A, p.Arg843Gln (NM_182751.3); short protein forms R842Q, R843Q.
Identifiers: ClinVar variation 2640317 (VCV002640317.24), dbSNP rs187685058, ClinGen allele CA5411875.

ClinVar aggregate classification (germline): Likely benign (1 of 4 stars; one submission).

Allele frequency attached by ClinVar (database versions not stated): gnomAD 0.00034; TOPMed 0.00050; ExAC 0.00063; 1000 Genomes Project 30x 0.00078; 1000 Genomes Project 0.00100.
gnomAD v4.1: 326 of 1,613,106 alleles (0.02%); highest among the groups gnomAD compares: East Asian, 0.57%; 2 homozygotes.

Submission:

CeGaT Center for Human Genetics Tuebingen
Classification: Likely benign. Last evaluated: 2023-02-01. Review status: criteria provided, single submitter. Criteria: CeGaT Center For Human Genetics Tuebingen Variant Classification Criteria Version 2. Collection method: clinical testing. Allele origin: germline. Affected: yes. Observed: 1 variant allele.
Comment: MCM10: BS1